The following is an entry in ClinVar:

NM_001354930.2(RIPK1):c.617C>T (p.Thr206Ile)

Gene: RIPK1 (receptor interacting serine/threonine kinase 1; plus strand). Cytogenetic location: 6p25.2.
Variant type: single nucleotide variant.
Coding change: c.617C>T on transcript NM_001354930.2 (MANE Select); coding-DNA position 617, C replaced by T.
Protein change: p.Thr206Ile; replaces threonine 206 with isoleucine.
Molecular consequence: missense variant.
Genome position (GRCh38, 1-based): chr6:3,083,242, C>T. VCF-style: chr6-3083242-C-T. GRCh37 (hg19) VCF-style: chr6-3083476-C-T.
Other names: c.128C>T, p.Thr43Ile (NM_001317061.3, NM_001354932.2, NM_001354933.2 and 1 more transcripts); c.479C>T, p.Thr160Ile (NM_001354931.2); c.617C>T, p.Thr206Ile (NM_003804.6); short protein forms T160I, T206I, T43I.
Identifiers: ClinVar variation 3710818 (VCV003710818.2).
Genomic context (GRCh38, chr6:3,083,242, plus strand): 5'-ATGGCGGCACCCTCTACTACATGGCGCCCGAGCACCTGAATGACGTCAACGCAAAGCCCA[C>T]AGAGAAGTCGGATGTGTACAGCTTTGCTGTAGTACTCTGGGCGATATTTGCAAATAAGGA-3'
Protein context (NP_001341859.1, residues 196-216): EHLNDVNAKP[Thr206Ile]EKSDVYSFAV

ClinVar aggregate classification (germline): Uncertain significance (1 of 4 stars; one submission).

gnomAD v4.1: 21 of 1,613,864 alleles (0.0013%); highest among the groups gnomAD compares: Non-Finnish European, 0.0017%; no homozygotes.

Submission:

Labcorp Genetics (formerly Invitae), Labcorp
Classification: Uncertain significance. Last evaluated: 2024-10-06. Review status: criteria provided, single submitter. Criteria: Invitae Variant Classification Sherloc (09022015). Collection method: clinical testing. Allele origin: germline.
Comment: This sequence change replaces threonine, which is neutral and polar, with isoleucine, which is neutral and non-polar, at codon 206 of the RIPK1 protein (p.Thr206Ile). This variant is present in population databases (rs755149439, gnomAD 0.002%). This variant has not been reported in the literature in individuals affected with RIPK1-related conditions. An algorithm developed to predict the effect of missense changes on protein structure and function (PolyPhen-2) suggests that this variant is likely to be disruptive. In summary, the available evidence is currently insufficient to determine the role of this variant in disease. Therefore, it has been classified as a Variant of Uncertain Significance.